The following is an entry in ClinVar:

NM_020884.7(MYH7B):c.3758A>G (p.Glu1253Gly)

Gene: MYH7B (myosin heavy chain 7B; plus strand). Cytogenetic location: 20q11.22.
Variant type: single nucleotide variant.
Coding change: c.3758A>G on transcript NM_020884.7 (MANE Select); coding-DNA position 3758, A replaced by G.
Protein change: p.Glu1253Gly; replaces glutamic acid 1253 with glycine.
Molecular consequence: missense variant.
Genome position (GRCh38, 1-based): chr20:34,998,305, A>G. VCF-style: chr20-34998305-A-G. GRCh37 (hg19) VCF-style: chr20-33586108-A-G.
Other names: short protein forms E1253G.
Identifiers: ClinVar variation 1412756 (VCV001412756.8), dbSNP rs781216633, ClinGen allele CA9827858.
Genomic context (GRCh38, chr20:34,998,305, plus strand): 5'-TTGTTCTGACATCTAACTCCTGACCCCTGACTCCCAACCTGGGATCCTAGGCCAGTGCAG[A>G]GAAGCTGTGCCGGACCTATGAGGATCAGCTAAGCGAGGCCAAGATCAAGGTGGAGGAGCT-3'
Protein context (NP_065935.4, residues 1243-1263): ETLTRAKASA[Glu1253Gly]KLCRTYEDQL

ClinVar aggregate classification (germline): Uncertain significance (1 of 4 stars; one submission).

Allele frequency attached by ClinVar (database versions not stated): gnomAD 0.00001; gnomAD exomes 0.00001 and 0.00002; TOPMed 0.00001; ExAC 0.00003.
gnomAD v4.1: 11 of 1,613,848 alleles (0.00068%); highest among the groups gnomAD compares: Admixed American, 0.0033%; no homozygotes.

Submission:

Labcorp Genetics (formerly Invitae), Labcorp
Classification: Uncertain significance. Last evaluated: 2022-12-05. Review status: criteria provided, single submitter. Criteria: Invitae Variant Classification Sherloc (09022015). Collection method: clinical testing. Allele origin: germline.
Comment: This variant is present in population databases (rs781216633, gnomAD 0.009%). This sequence change replaces glutamic acid, which is acidic and polar, with glycine, which is neutral and non-polar, at codon 1295 of the MYH7B protein (p.Glu1295Gly). This variant has not been reported in the literature in individuals affected with MYH7B-related conditions. ClinVar contains an entry for this variant (Variation ID: 1412756). Advanced modeling of protein sequence and biophysical properties (such as structural, functional, and spatial information, amino acid conservation, physicochemical variation, residue mobility, and thermodynamic stability) performed at Invitae indicates that this missense variant is expected to disrupt MYH7B protein function. In summary, the available evidence is currently insufficient to determine the role of this variant in disease. Therefore, it has been classified as a Variant of Uncertain Significance.